The following is an entry in ClinVar:

NC_000008.10:g.(?_104412639)_(106815766_?)dup

Genes: DCAF13 (DDB1 and CUL4 associated factor 13; plus strand), DCSTAMP (dendrocyte expressed seven transmembrane protein; plus strand), DPYS (dihydropyrimidinase; minus strand), LRP12 (LDL receptor related protein 12; minus strand), RIMS2 (regulating synaptic membrane exocytosis 2; plus strand) and 2 more. Cytogenetic location: 8q22.3-23.1.
Variant type: Duplication.
Identifiers: ClinVar variation 2424157 (VCV002424157.3).

ClinVar aggregate classification (germline): Uncertain significance (1 of 4 stars; one submission).

Submission:

Labcorp Genetics (formerly Invitae), Labcorp
Classification: Uncertain significance. Last evaluated: 2022-02-28. Review status: criteria provided, single submitter. Criteria: Invitae Variant Classification Sherloc (09022015). Collection method: clinical testing. Allele origin: germline.
Comment: A copy number gain of the genomic region encompassing the full coding sequence of the DPYS gene has been identified. The boundaries of this event are unknown as they extend beyond the assayed region for this gene and therefore may encompass additional genes. As the precise location of this event is unknown, it may be in tandem or it may be located elsewhere in the genome. This variant has not been reported in the literature in individuals affected with DPYS-related conditions. In summary, the available evidence is currently insufficient to determine the role of this variant in disease. Therefore, it has been classified as a Variant of Uncertain Significance.